The following is an entry in ClinVar:

NM_000391.4(TPP1):c.1634dup (p.Thr546fs)

Gene: TPP1 (tripeptidyl peptidase 1; minus strand). Cytogenetic location: 11p15.4.
Variant type: Duplication.
Coding change: c.1634dup on transcript NM_000391.4 (MANE Select); coding-DNA position 1634, one base duplicated (T; older notation c.1634dupT).
Protein change: p.Thr546fs; shifts the reading frame from threonine 546.
Molecular consequence: frameshift variant.
Genome position (GRCh38, 1-based): chr11:6,614,604, A duplicated on the plus strand (T on the coding strand, the reverse complement: TPP1 is on the minus strand). VCF-style (leftmost placement, unchanged base first): chr11-6614603-T-TA. GRCh37 (hg19) VCF-style: chr11-6635834-T-TA.
Other names: short protein forms T546fs.
Identifiers: ClinVar variation 4734741 (VCV004734741.1).

ClinVar aggregate classification (germline): Pathogenic (1 of 4 stars; one submission).

Submission:

Labcorp Genetics (formerly Invitae), Labcorp
Classification: Pathogenic. Last evaluated: 2026-01-05. Review status: criteria provided, single submitter. Criteria: Invitae Variant Classification Sherloc (09022015). Collection method: clinical testing. Allele origin: germline.
Comment: This sequence change is expected to alter the c-terminus of the TPP1 protein (p.Thr546Asnfs*62). While this is not anticipated to result in nonsense mediated decay, it is expected to disrupt the last 18 amino acid(s) of the TPP1 protein and extend the protein by 43 additional amino acid residues. This variant is not present in population databases (gnomAD no frequency). This variant has not been reported in the literature in individuals affected with TPP1-related conditions. This variant results in an extension of the TPP1 protein. Other variant(s) that result in a similarly extended protein product (p.Leu560Thrfs*47) have been determined to be pathogenic (PMID: 10330339, 21990111; internal data). This suggests that these extensions are likely to be disease-causing. For these reasons, this variant has been classified as Pathogenic.

Literature cited by the submitters: PubMed 10330339; PubMed 21990111.